The following is an entry in ClinVar:

NM_001220.5(CAMK2B):c.481G>A (p.Ala161Thr)

Gene: CAMK2B (calcium/calmodulin dependent protein kinase II beta; minus strand). Cytogenetic location: 7p13.
Variant type: single nucleotide variant.
Coding change: c.481G>A on transcript NM_001220.5 (MANE Select); coding-DNA position 481, G replaced by A.
Protein change: p.Ala161Thr; replaces alanine 161 with threonine.
Molecular consequence: missense variant.
Genome position (GRCh38, 1-based): chr7:44,243,461, C>T on the plus strand (G>A on the coding strand, the complement: CAMK2B is on the minus strand). VCF-style: chr7-44243461-C-T. GRCh37 (hg19) VCF-style: chr7-44283060-C-T.
Other names: c.481G>A, p.Ala161Thr (NM_001293170.2, NM_172078.3, NM_172079.3 and 5 more transcripts); short protein forms A161T.
Identifiers: ClinVar variation 3359960 (VCV003359960.1).

ClinVar aggregate classification (germline): Uncertain significance (1 of 4 stars; one submission).

Submission:

GeneDx
Classification: Uncertain significance. Last evaluated: 2023-06-14. Review status: criteria provided, single submitter. Criteria: GeneDx Variant Classification Process June 2021. Collection method: clinical testing. Allele origin: germline. Affected: yes.
Comment: Not observed at significant frequency in large population cohorts (gnomAD); In silico analysis supports that this missense variant has a deleterious effect on protein structure/function; Has not been previously published as pathogenic or benign to our knowledge